The following is an entry in ClinVar:

NM_001082486.2(ACD):c.857C>T (p.Ser286Leu)

Gene: ACD (ACD shelterin complex subunit and telomerase recruitment factor; minus strand). Cytogenetic location: 16q22.1.
Variant type: single nucleotide variant.
Coding change: c.857C>T on transcript NM_001082486.2 (MANE Select); coding-DNA position 857, C replaced by T.
Protein change: p.Ser286Leu; replaces serine 286 with leucine.
Molecular consequence: missense variant.
Genome position (GRCh38, 1-based): chr16:67,658,335, G>A on the plus strand (C>T on the coding strand, the complement: ACD is on the minus strand). VCF-style: chr16-67658335-G-A. GRCh37 (hg19) VCF-style: chr16-67692238-G-A.
Other names: c.770C>T, p.Ser257Leu (NM_001410884.1); c.848C>T, p.Ser283Leu (NM_022914.3); short protein forms S286L, S257L, S283L.
Identifiers: ClinVar variation 1796172 (VCV001796172.5), dbSNP rs2052917888, ClinGen allele CA396352973.

ClinVar aggregate classification (germline): Uncertain significance. Review status: criteria provided, multiple submitters, no conflicts (2 of 4 stars). 2 submissions from 2 submitters: Uncertain significance (2). Last evaluated 2023-12-27.

Conditions:
Dyskeratosis congenita, autosomal dominant 6 (DKCA6). Identifiers: Orphanet 3322, MedGen C4225284, MONDO:0014690, OMIM 616553.
Inborn genetic diseases. Identifiers: MedGen C0950123, MeSH D030342.

Allele frequency attached by ClinVar (database versions not stated): TOPMed 0.00001.

Submissions (2):

Labcorp Genetics (formerly Invitae), Labcorp
Classification: Uncertain significance for Dyskeratosis congenita, autosomal dominant 6. Last evaluated: 2023-12-27. Review status: criteria provided, single submitter. Criteria: Invitae Variant Classification Sherloc (09022015). Collection method: clinical testing. Allele origin: germline.
Comment: This sequence change replaces serine, which is neutral and polar, with leucine, which is neutral and non-polar, at codon 372 of the ACD protein (p.Ser372Leu). This variant is not present in population databases (gnomAD no frequency). This variant has not been reported in the literature in individuals affected with ACD-related conditions. ClinVar contains an entry for this variant (Variation ID: 1796172). Advanced modeling of protein sequence and biophysical properties (such as structural, functional, and spatial information, amino acid conservation, physicochemical variation, residue mobility, and thermodynamic stability) performed at Invitae indicates that this missense variant is not expected to disrupt ACD protein function with a negative predictive value of 80%. In summary, the available evidence is currently insufficient to determine the role of this variant in disease. Therefore, it has been classified as a Variant of Uncertain Significance.

Ambry Genetics
Classification: Uncertain significance for Inborn genetic diseases. Last evaluated: 2022-04-09. Review status: criteria provided, single submitter. Criteria: Ambry Variant Classification Scheme 2023. Collection method: clinical testing. Allele origin: germline.
Comment: The p.S372L variant (also known as c.1115C>T), located in coding exon 10 of the ACD gene, results from a C to T substitution at nucleotide position 1115. The serine at codon 372 is replaced by leucine, an amino acid with dissimilar properties. This amino acid position is conserved. In addition, this alteration is predicted to be tolerated by in silico analysis. Since supporting evidence is limited at this time, the clinical significance of this alteration remains unclear.